The following is an entry in ClinVar:

NM_001077350.3(NPRL3):c.1392C>A (p.Asp464Glu)

Genes: HBA-LCR (alpha-globin locus control region; plus strand), NPRL3 (NPR3 like, GATOR1 complex subunit; minus strand). Cytogenetic location: 16p13.3.
Variant type: single nucleotide variant.
Coding change: c.1392C>A on transcript NM_001077350.3 (MANE Select); coding-DNA position 1392, C replaced by A.
Protein change: p.Asp464Glu; replaces aspartic acid 464 with glutamic acid.
Molecular consequence: missense variant.
Genome position (GRCh38, 1-based): chr16:88,850, G>T on the plus strand (C>A on the coding strand, the complement: NPRL3 is on the minus strand). VCF-style: chr16-88850-G-T. GRCh37 (hg19) VCF-style: chr16-138848-G-T.
Other names: c.855C>A, p.Asp285Glu (NM_001039476.3); c.1158C>A, p.Asp386Glu (NM_001243247.2); c.1317C>A, p.Asp439Glu (NM_001243248.2, NM_001243249.2); short protein forms D386E, D285E, D464E, D439E.
Identifiers: ClinVar variation 2766953 (VCV002766953.3), dbSNP rs2542799669, ClinGen allele CA394049549.

ClinVar aggregate classification (germline): Uncertain significance (1 of 4 stars; one submission).

Conditions:
Epilepsy, familial focal, with variable foci 3 (FFEVF3). Identifiers: MedGen C4310708, MONDO:0014925, OMIM 617118.

Submission:

Labcorp Genetics (formerly Invitae), Labcorp
Classification: Uncertain significance for Epilepsy, familial focal, with variable foci 3. Last evaluated: 2024-01-16. Review status: criteria provided, single submitter. Criteria: Invitae Variant Classification Sherloc (09022015). Collection method: clinical testing. Allele origin: germline.
Comment: This sequence change replaces aspartic acid, which is acidic and polar, with glutamic acid, which is acidic and polar, at codon 464 of the NPRL3 protein (p.Asp464Glu). This variant is not present in population databases (gnomAD no frequency). This variant has not been reported in the literature in individuals affected with NPRL3-related conditions. Advanced modeling of protein sequence and biophysical properties (such as structural, functional, and spatial information, amino acid conservation, physicochemical variation, residue mobility, and thermodynamic stability) performed at Invitae indicates that this missense variant is not expected to disrupt NPRL3 protein function with a negative predictive value of 80%. In summary, the available evidence is currently insufficient to determine the role of this variant in disease. Therefore, it has been classified as a Variant of Uncertain Significance.